The following is an entry in ClinVar:

ClinVar aggregate classification (germline): Uncertain significance (1 of 4 stars; one submission).

Conditions:
Aortic aneurysm, familial thoracic 8 (AAT8). Identifiers: MedGen C3809513, MONDO:0014187, OMIM 615436.

Allele frequency attached by ClinVar (database versions not stated): gnomAD exomes below 0.00001; ExAC 0.00001.
gnomAD v4.1: 2 of 1,609,594 alleles (0.00012%); highest among the groups gnomAD compares: South Asian, 0.0011%; no homozygotes.

Submission:

Labcorp Genetics (formerly Invitae), Labcorp
Classification: Uncertain significance for Aortic aneurysm, familial thoracic 8. Last evaluated: 2022-06-02. Review status: criteria provided, single submitter. Criteria: Invitae Variant Classification Sherloc (09022015). Collection method: clinical testing. Allele origin: germline.
Comment: In summary, the available evidence is currently insufficient to determine the role of this variant in disease. Therefore, it has been classified as a Variant of Uncertain Significance. Algorithms developed to predict the effect of missense changes on protein structure and function (SIFT, PolyPhen-2, Align-GVGD) all suggest that this variant is likely to be tolerated. This variant has not been reported in the literature in individuals affected with PRKG1-related conditions. The frequency data for this variant in the population databases is considered unreliable, as metrics indicate poor data quality at this position in the gnomAD database. This sequence change replaces isoleucine, which is neutral and non-polar, with threonine, which is neutral and polar, at codon 684 of the PRKG1 protein (p.Ile684Thr).

NM_006258.4(PRKG1):c.2051T>C (p.Ile684Thr)

Gene: PRKG1 (protein kinase cGMP-dependent 1; plus strand). Cytogenetic location: 10q21.1.
Variant type: single nucleotide variant.
Coding change: c.2051T>C on transcript NM_006258.4 (MANE Select); coding-DNA position 2051, T replaced by C.
Protein change: p.Ile684Thr; replaces isoleucine 684 with threonine.
Molecular consequence: missense variant.
Genome position (GRCh38, 1-based): chr10:52,293,890, T>C. VCF-style: chr10-52293890-T-C. GRCh37 (hg19) VCF-style: chr10-54053650-T-C.
Other names: c.2006T>C, p.Ile669Thr (NM_001098512.3); c.842T>C, p.Ile281Thr (NM_001374781.1); short protein forms I684T, I669T, I281T.
Identifiers: ClinVar variation 1998745 (VCV001998745.4), dbSNP rs780074700, ClinGen allele CA5504017.